The following is an entry in ClinVar:

ClinVar aggregate classification (germline): Uncertain significance. Review status: criteria provided, multiple submitters, no conflicts (2 of 4 stars). 3 submissions from 3 submitters: Uncertain significance (3). Last evaluated 2024-11-18.

Conditions:
Eichsfeld type congenital muscular dystrophy (CMYO3). Also called: Rigid spine muscular dystrophy 1; MYOPATHY, SEPN1-RELATED; SELENON-related myopathy; Congenital myopathy 3 with rigid spine. Identifiers: MedGen C0410180, MONDO:0100100, OMIM 602771.
Inborn genetic diseases. Identifiers: MedGen C0950123, MeSH D030342.

Allele frequency attached by ClinVar (database versions not stated): TOPMed 0.00002; gnomAD 0.00004; 1000 Genomes Project 30x 0.00078.
gnomAD v4.1: 10 of 846,352 alleles (0.0012%); highest among the groups gnomAD compares: East Asian, 0.087%; no homozygotes.

Submissions (3):

Labcorp Genetics (formerly Invitae), Labcorp
Classification: Uncertain significance for Eichsfeld type congenital muscular dystrophy. Last evaluated: 2024-11-18. Review status: criteria provided, single submitter. Criteria: Invitae Variant Classification Sherloc (09022015). Collection method: clinical testing. Allele origin: germline.
Comment: This sequence change replaces alanine, which is neutral and non-polar, with proline, which is neutral and non-polar, at codon 4 of the SELENON protein (p.Ala4Pro). The frequency data for this variant in the population databases is considered unreliable, as metrics indicate poor data quality at this position in the gnomAD database. This variant has not been reported in the literature in individuals affected with SELENON-related conditions. ClinVar contains an entry for this variant (Variation ID: 663642). Experimental studies and prediction algorithms are not available or were not evaluated, and the functional significance of this variant is currently unknown. In summary, the available evidence is currently insufficient to determine the role of this variant in disease. Therefore, it has been classified as a Variant of Uncertain Significance.

Revvity Omics, Revvity
Classification: Uncertain significance for Eichsfeld type congenital muscular dystrophy. Last evaluated: 2024-08-13. Review status: criteria provided, single submitter. Criteria: ACMG Guidelines, 2015. Collection method: clinical testing. Allele origin: germline.

Ambry Genetics
Classification: Uncertain significance for Inborn genetic diseases. Last evaluated: 2024-04-09. Review status: criteria provided, single submitter. Criteria: Ambry Variant Classification Scheme 2023. Collection method: clinical testing. Allele origin: germline.

NM_206926.2(SELENON):c.10G>C (p.Ala4Pro)

Gene: SELENON (selenoprotein N; plus strand). Cytogenetic location: 1p36.11.
Variant type: single nucleotide variant.
Coding change: c.10G>C on transcript NM_206926.2 (MANE Select); coding-DNA position 10, G replaced by C.
Protein change: p.Ala4Pro; replaces alanine 4 with proline.
Molecular consequence: missense variant.
Genome position (GRCh38, 1-based): chr1:25,800,240, G>C. VCF-style: chr1-25800240-G-C. GRCh37 (hg19) VCF-style: chr1-26126731-G-C.
Other names: c.10G>C, p.Ala4Pro (NM_020451.3); short protein forms A4P.
Identifiers: ClinVar variation 663642 (VCV000663642.12), dbSNP rs1371866855, ClinGen allele CA339105657.